The following is an entry in ClinVar:

NM_000392.5(ABCC2):c.2997G>A (p.Trp999Ter)

Gene: ABCC2 (ATP binding cassette subfamily C member 2; plus strand). Cytogenetic location: 10q24.2.
Variant type: single nucleotide variant.
Coding change: c.2997G>A on transcript NM_000392.5 (MANE Select); coding-DNA position 2997, G replaced by A.
Protein change: p.Trp999Ter; replaces tryptophan 999 with a stop codon.
Molecular consequence: nonsense.
Genome position (GRCh38, 1-based): chr10:99,831,724, G>A. VCF-style: chr10-99831724-G-A. GRCh37 (hg19) VCF-style: chr10-101591481-G-A.
Other names: c.2997G>A, p.Trp999Ter (LRG_1208t1); c.2997G>A (NM_000392.4); short protein forms W999*.
Identifiers: ClinVar variation 632122 (VCV000632122.5), dbSNP rs572224582, ClinGen allele CA5643660.

ClinVar aggregate classification (germline): Pathogenic (0 of 4 stars; one submission).

Conditions:
ABCC2-related disorder. Also called: ABCC2-related condition.

Allele frequency attached by ClinVar (database versions not stated): gnomAD exomes below 0.00001; ExAC 0.00001; 1000 Genomes Project 30x 0.00016; 1000 Genomes Project 0.00020.
gnomAD v4.1: 11 of 1,614,112 alleles (0.00068%); highest among the groups gnomAD compares: South Asian, 0.011%; no homozygotes.

Submission:

PreventionGenetics, part of Exact Sciences
Classification: Pathogenic for ABCC2-related condition. Last evaluated: 2024-07-12. Review status: no assertion criteria provided. Collection method: clinical testing. Allele origin: germline.
Comment: The ABCC2 c.2997G>A variant is predicted to result in premature protein termination (p.Trp999*). This variant has been reported in the homozygous state in an individual with Dubin-Johnson syndrome (Corpechot et al 2019. PubMed ID: 31544333). This variant is reported in 0.0033% of alleles in individuals of South Asian descent in gnomAD. Nonsense variants in ABCC2 are expected to be pathogenic. This variant is interpreted as pathogenic.